The following is an entry in ClinVar:

ClinVar aggregate classification (germline): Uncertain significance (1 of 4 stars; one submission).

Conditions:
Inborn genetic diseases. Identifiers: MedGen C0950123, MeSH D030342.

gnomAD v4.1: 2 of 1,614,236 alleles (0.00012%); highest among the groups gnomAD compares: Middle Eastern, 0.016%; no homozygotes.

Submission:

Ambry Genetics
Classification: Uncertain significance for Inborn genetic diseases. Last evaluated: 2026-03-17. Review status: criteria provided, single submitter. Criteria: Ambry Variant Classification Scheme 2023. Collection method: clinical testing. Allele origin: germline.
Comment: The p.L1069F variant (also known as c.3205C>T), located in coding exon 32 of the FANCA gene, results from a C to T substitution at nucleotide position 3205. The leucine at codon 1069 is replaced by phenylalanine, an amino acid with highly similar properties. This amino acid position is conserved. In addition, the in silico prediction for this alteration is inconclusive. Based on the available evidence, the clinical significance of this variant remains unclear.

NM_000135.4(FANCA):c.3205C>T (p.Leu1069Phe)

Gene: FANCA (FA complementation group A; minus strand). Cytogenetic location: 16q24.3.
Variant type: single nucleotide variant.
Coding change: c.3205C>T on transcript NM_000135.4 (MANE Select); coding-DNA position 3205, C replaced by T.
Protein change: p.Leu1069Phe; replaces leucine 1069 with phenylalanine.
Molecular consequence: missense variant.
Genome position (GRCh38, 1-based): chr16:89,749,764, G>A on the plus strand (C>T on the coding strand, the complement: FANCA is on the minus strand). VCF-style: chr16-89749764-G-A. GRCh37 (hg19) VCF-style: chr16-89816172-G-A.
Other names: c.3205C>T, p.Leu1069Phe (NM_001286167.3); short protein forms L1069F.
Identifiers: ClinVar variation 4870789 (VCV004870789.1).